The following is an entry in ClinVar:

NM_020937.4(FANCM):c.1997G>A (p.Arg666Lys)

Gene: FANCM (FA complementation group M; plus strand). Cytogenetic location: 14q21.2.
Variant type: single nucleotide variant.
Coding change: c.1997G>A on transcript NM_020937.4 (MANE Select); coding-DNA position 1997, G replaced by A.
Protein change: p.Arg666Lys; replaces arginine 666 with lysine.
Molecular consequence: missense variant.
Genome position (GRCh38, 1-based): chr14:45,167,158, G>A. VCF-style: chr14-45167158-G-A. GRCh37 (hg19) VCF-style: chr14-45636361-G-A.
Other names: c.1919G>A, p.Arg640Lys (NM_001308133.2); c.1997G>A, p.Arg666Lys (NM_001308134.2); short protein forms R666K, R640K.
Identifiers: ClinVar variation 4022598 (VCV004022598.1).
Genomic context (GRCh38, chr14:45,167,158, plus strand): 5'-TCTATGAACCAGAGAAGCCTTCTCGGAACTTGCAGCGAAAGTCATCTATCTTTTCCTATA[G>A]GGATGGTAAATAAATTTTGCATTTGACACATGCATTTTTCCCCTGTTCTTACTTAGCAGG-3'
Protein context (NP_065988.1, residues 656-676): LQRKSSIFSY[Arg666Lys]DGMRQSSLKK

ClinVar aggregate classification (germline): Uncertain significance (1 of 4 stars; one submission).

Conditions:
Inborn genetic diseases. Identifiers: MedGen C0950123, MeSH D030342.

gnomAD v4.1: 3 of 1,600,990 alleles (0.00019%); highest among the groups gnomAD compares: Non-Finnish European, 0.00026%; no homozygotes.

Submission:

Ambry Genetics
Classification: Uncertain significance for Inborn genetic diseases. Last evaluated: 2025-03-22. Review status: criteria provided, single submitter. Criteria: Ambry Variant Classification Scheme 2023. Collection method: clinical testing. Allele origin: germline.
Comment: The p.R666K variant (also known as c.1997G>A), located in coding exon 11 of the FANCM gene, results from a G to A substitution at nucleotide position 1997. The arginine at codon 666 is replaced by lysine, an amino acid with highly similar properties. This amino acid position is conserved. In addition, this alteration is predicted to be tolerated by in silico analysis. Based on the available evidence, the clinical significance of this variant remains unclear.